The following is an entry in ClinVar:

NM_000355.4(TCN2):c.688A>T (p.Ile230Phe)

Gene: TCN2 (transcobalamin 2; plus strand). Cytogenetic location: 22q12.2.
Variant type: single nucleotide variant.
Coding change: c.688A>T on transcript NM_000355.4 (MANE Select); coding-DNA position 688, A replaced by T.
Protein change: p.Ile230Phe; replaces isoleucine 230 with phenylalanine.
Molecular consequence: missense variant.
Genome position (GRCh38, 1-based): chr22:30,615,408, A>T. VCF-style: chr22-30615408-A-T. GRCh37 (hg19) VCF-style: chr22-31011395-A-T.
Other names: c.607A>T, p.Ile203Phe (NM_001184726.2); short protein forms I203F, I230F.
Identifiers: ClinVar variation 4808105 (VCV004808105.1).

ClinVar aggregate classification (germline): Uncertain significance (1 of 4 stars; one submission).

Conditions:
Transcobalamin II deficiency (TCN2D). Also called: TC II DEFICIENCY; TCN2 DEFICIENCY; Transcolabamin II deficiency. Identifiers: Orphanet 859, MedGen C0342701, MONDO:0010149, OMIM 275350.

gnomAD v4.1: 5 of 1,614,042 alleles (0.00031%); highest among the groups gnomAD compares: East Asian, 0.0089%; no homozygotes.

Submission:

Labcorp Genetics (formerly Invitae), Labcorp
Classification: Uncertain significance for Transcobalamin II deficiency. Last evaluated: 2025-02-13. Review status: criteria provided, single submitter. Criteria: Invitae Variant Classification Sherloc (09022015). Collection method: clinical testing. Allele origin: germline.
Comment: This sequence change replaces isoleucine, which is neutral and non-polar, with phenylalanine, which is neutral and non-polar, at codon 230 of the TCN2 protein (p.Ile230Phe). This variant is present in population databases (rs769342461, gnomAD 0.01%). This variant has not been reported in the literature in individuals affected with TCN2-related conditions. Invitae Evidence Modeling of protein sequence and biophysical properties (such as structural, functional, and spatial information, amino acid conservation, physicochemical variation, residue mobility, and thermodynamic stability) indicates that this missense variant is expected to disrupt TCN2 protein function with a positive predictive value of 80%. In summary, the available evidence is currently insufficient to determine the role of this variant in disease. Therefore, it has been classified as a Variant of Uncertain Significance.